The following is an entry in ClinVar:

NM_001197104.2(KMT2A):c.8287G>T (p.Asp2763Tyr)

Gene: KMT2A (lysine methyltransferase 2A; plus strand). Cytogenetic location: 11q23.3.
Variant type: single nucleotide variant.
Coding change: c.8287G>T on transcript NM_001197104.2 (MANE Select); coding-DNA position 8287, G replaced by T.
Protein change: p.Asp2763Tyr; replaces aspartic acid 2763 with tyrosine.
Molecular consequence: missense variant.
Genome position (GRCh38, 1-based): chr11:118,504,179, G>T. VCF-style: chr11-118504179-G-T. GRCh37 (hg19) VCF-style: chr11-118374894-G-T.
Other names: c.8377G>T, p.Asp2793Tyr (NM_001412597.1); c.8278G>T, p.Asp2760Tyr (NM_005933.4); short protein forms D2760Y, D2763Y, D2793Y.
Identifiers: ClinVar variation 5037523 (VCV005037523.1).

ClinVar aggregate classification (germline): Uncertain significance (1 of 4 stars; one submission).

Submission:

GeneDx
Classification: Uncertain significance. Last evaluated: 2026-04-21. Review status: criteria provided, single submitter. Criteria: GeneDx Variant Classification Process June 2021. Collection method: clinical testing. Allele origin: germline.
Comment: Not observed at significant frequency in large population cohorts (gnomAD); In silico analysis suggests that this missense variant does not alter protein structure/function; Has not been previously published as pathogenic or benign to our knowledge